The following is an entry in ClinVar:

ClinVar aggregate classification (germline): Uncertain significance (1 of 4 stars; one submission).

Conditions:
Developmental and epileptic encephalopathy, 12 (DEE12). Identifiers: MedGen C3150988, MONDO:0013389, OMIM 613722.

Allele frequency attached by ClinVar (database versions not stated): gnomAD exomes below 0.00001; TOPMed 0.00001.
gnomAD v4.1: 2 of 1,613,706 alleles (0.00012%); highest among the groups gnomAD compares: Non-Finnish European, 0.000085%; no homozygotes.

Submission:

Labcorp Genetics (formerly Invitae), Labcorp
Classification: Uncertain significance for Developmental and epileptic encephalopathy, 12. Last evaluated: 2020-07-21. Review status: criteria provided, single submitter. Criteria: Invitae Variant Classification Sherloc (09022015). Collection method: clinical testing. Allele origin: germline.
Comment: This sequence change replaces serine with proline at codon 473 of the PLCB1 protein (p.Ser473Pro). The serine residue is moderately conserved and there is a moderate physicochemical difference between serine and proline. This variant is not present in population databases (ExAC no frequency). This variant has not been reported in the literature in individuals with PLCB1-related conditions. Algorithms developed to predict the effect of missense changes on protein structure and function (SIFT, PolyPhen-2, Align-GVGD) all suggest that this variant is likely to be tolerated, but these predictions have not been confirmed by published functional studies and their clinical significance is uncertain. In summary, the available evidence is currently insufficient to determine the role of this variant in disease. Therefore, it has been classified as a Variant of Uncertain Significance.

NM_015192.4(PLCB1):c.1417T>C (p.Ser473Pro)

Gene: PLCB1 (phospholipase C beta 1; plus strand). Cytogenetic location: 20p12.3.
Variant type: single nucleotide variant.
Coding change: c.1417T>C on transcript NM_015192.4 (MANE Select); coding-DNA position 1417, T replaced by C.
Protein change: p.Ser473Pro; replaces serine 473 with proline.
Molecular consequence: missense variant.
Genome position (GRCh38, 1-based): chr20:8,717,752, T>C. VCF-style: chr20-8717752-T-C. GRCh37 (hg19) VCF-style: chr20-8698399-T-C.
Other names: c.1417T>C, p.Ser473Pro (NM_182734.3); short protein forms S473P.
Identifiers: ClinVar variation 858627 (VCV000858627.10), dbSNP rs896514396, ClinGen allele CA311247655.